The following is an entry in ClinVar:

NM_001370259.2(MEN1):c.1135G>A (p.Ala379Thr)

Gene: MEN1 (menin 1; minus strand). Cytogenetic location: 11q13.1.
Variant type: single nucleotide variant.
Coding change: c.1135G>A on transcript NM_001370259.2 (MANE Select); coding-DNA position 1135, G replaced by A.
Protein change: p.Ala379Thr; replaces alanine 379 with threonine.
Molecular consequence: missense variant.
Genome position (GRCh38, 1-based): chr11:64,805,685, C>T on the plus strand (G>A on the coding strand, the complement: MEN1 is on the minus strand). VCF-style: chr11-64805685-C-T. GRCh37 (hg19) VCF-style: chr11-64573157-C-T.
Other names: c.1150G>A, p.Ala384Thr (NM_000244.4, NM_130800.3, NM_130801.3 and 3 more transcripts); c.1261G>A, p.Ala421Thr (NM_001370251.2); c.1135G>A, p.Ala379Thr (NM_001370260.2, NM_001370261.2, NM_130799.3); c.1030G>A, p.Ala344Thr (NM_001370262.2, NM_001370263.2); short protein forms A384T, A344T, A379T, A421T.
Identifiers: ClinVar variation 1471582 (VCV001471582.8), dbSNP rs2136109409, ClinGen allele CA381182367.

ClinVar aggregate classification (germline): Uncertain significance (1 of 4 stars; one submission).

Conditions:
Multiple endocrine neoplasia, type 1 (MEN1). Also called: MEN I; WERMER SYNDROME; Endocrine adenomatosis multiple; MEN 1; MEA I. Identifiers: Orphanet 652, MedGen C0025267, MeSH D018761, MONDO:0007540, OMIM 131100.

Submission:

Labcorp Genetics (formerly Invitae), Labcorp
Classification: Uncertain significance for Multiple endocrine neoplasia, type 1. Last evaluated: 2024-04-30. Review status: criteria provided, single submitter. Criteria: Invitae Variant Classification Sherloc (09022015). Collection method: clinical testing. Allele origin: germline.
Comment: This sequence change replaces alanine, which is neutral and non-polar, with threonine, which is neutral and polar, at codon 379 of the MEN1 protein (p.Ala379Thr). This variant is not present in population databases (gnomAD no frequency). This variant has not been reported in the literature in individuals affected with MEN1-related conditions. ClinVar contains an entry for this variant (Variation ID: 1471582). Advanced modeling of protein sequence and biophysical properties (such as structural, functional, and spatial information, amino acid conservation, physicochemical variation, residue mobility, and thermodynamic stability) has been performed at Invitae for this missense variant, however the output from this modeling did not meet the statistical confidence thresholds required to predict the impact of this variant on MEN1 protein function. In summary, the available evidence is currently insufficient to determine the role of this variant in disease. Therefore, it has been classified as a Variant of Uncertain Significance.